The following is an entry in ClinVar:

ClinVar aggregate classification (germline): Likely pathogenic (1 of 4 stars; one submission).

Conditions:
Familial cancer of breast. Also called: Hereditary breast cancer; hereditary breast carcinoma; BREAST CANCER, FAMILIAL. Identifiers: Orphanet 227535, MedGen C0346153, MONDO:0016419, OMIM 114480. Disease mechanism: loss of function.

Submission:

Labcorp Genetics (formerly Invitae), Labcorp
Classification: Likely pathogenic for Familial cancer of breast. Last evaluated: 2025-09-23. Review status: criteria provided, single submitter. Criteria: Invitae Variant Classification Sherloc (09022015). Collection method: clinical testing. Allele origin: germline.
Comment: This sequence change creates a premature translational stop signal (p.Ser516*) in the CHEK2 gene. While this is not anticipated to result in nonsense mediated decay, it is expected to disrupt the last 28 amino acid(s) of the CHEK2 protein. This variant is not present in population databases (gnomAD no frequency). This variant has not been reported in the literature in individuals affected with CHEK2-related conditions. This variant disrupts the nuclear localization signal (NLS) of the CHEK2 protein, which is critical for proper nuclear localization (PMID: 18004398, 12909615). While functional studies have not been performed to directly test the effect of this variant on CHEK2 protein function, this suggests that disruption of this region of the protein is causative of disease. In summary, the currently available evidence indicates that the variant is pathogenic, but additional data are needed to prove that conclusively. Therefore, this variant has been classified as Likely Pathogenic.

Literature cited by the submitters: PubMed 18004398; PubMed 12909615.

NM_007194.4(CHEK2):c.1547_1551del (p.Pro515_Ser516insTer)

Gene: CHEK2 (checkpoint kinase 2; minus strand). Cytogenetic location: 22q12.1.
Variant type: Deletion.
Coding change: c.1547_1551del on transcript NM_007194.4 (MANE Select); coding-DNA positions 1547 to 1551, 5 bases deleted (CTACT; older notation c.1547_1551delCTACT).
Protein change: p.Pro515_Ser516insTer.
Molecular consequence: nonsense.
Genome position (GRCh38, 1-based): chr22:28,687,978-28,687,982, AGTAG deleted on the plus strand (CTACT on the coding strand, the reverse complement: CHEK2 is on the minus strand); deleting any 5 consecutive bases within chr22:28,687,978-28,687,983 gives the same sequence; the c. name uses the placement nearest the transcript's 3' end. VCF-style (leftmost placement, unchanged base first): chr22-28687977-TAGTAG-T. GRCh37 (hg19) VCF-style: chr22-29083965-TAGTAG-T.
Other names: c.1676_1680del, p.Pro558_Ser559insTer (NM_001005735.3); c.884_888del, p.Pro294_Ser295insTer (NM_001257387.3, NM_001437942.1); c.1346_1350del, p.Pro448_Ser449insTer (NM_001349956.3); c.1640_1644del, p.Pro546_Ser547insTer (NM_001438293.1); c.1589_1593del, p.Pro529_Ser530insTer (NM_001438294.1); c.1553_1557del, p.Pro517_Ser518insTer (NM_001438295.1); c.1460_1464del, p.Pro486_Ser487insTer (NM_145862.3).
Identifiers: ClinVar variation 4727748 (VCV004727748.1).